The following is an entry in ClinVar:

NM_000059.4(BRCA2):c.3792del (p.Lys1264fs)

Gene: BRCA2 (BRCA2 DNA repair associated; plus strand). Cytogenetic location: 13q13.1.
Variant type: Deletion.
Coding change: c.3792del on transcript NM_000059.4 (MANE Select); coding-DNA position 3792, one base deleted (A; older notation c.3792delA).
Protein change: p.Lys1264fs; shifts the reading frame from lysine 1264.
Molecular consequence: frameshift variant. On other transcripts: non-coding transcript variant (1), intron variant (2).
Genome position (GRCh38, 1-based): chr13:32,338,147, A deleted; the last of 3 consecutive A bases (chr13:32,338,145-32,338,147); deleting any one gives the same sequence. VCF-style (leftmost placement, unchanged base first): chr13-32338144-TA-T. GRCh37 (hg19) VCF-style: chr13-32912281-TA-T.
Other names: c.3792del, p.Lys1264fs (NM_001406719.1, NM_001406720.1, NM_001432077.1); c.1909+4760del (NM_001406721.1); c.425-6411del (NM_001406722.1); short protein forms K1264fs.
Identifiers: ClinVar variation 3725480 (VCV003725480.2).
Genomic context (GRCh38, chr13:32,338,144, plus strand): 5'-TATTGAGAATATTAGTGAGGAAACTTCTGCAGAGGTACATCCAATAAGTTTATCTTCAAG[TA>T]AATGTCATGATTCTGTTGTTTCAATGTTTAAGATAGAAAATCATAATGATAAAACTGTAA-3'

ClinVar aggregate classification (germline): Pathogenic (1 of 4 stars; one submission).

Conditions:
Hereditary breast ovarian cancer syndrome. Also called: Hereditary breast and ovarian cancer syndrome; Hereditary breast and/or ovarian cancer syndrome; Hereditary breast and ovarian cancer; Hereditary breast and ovarian cancer syndrome (HBOC); Breast and ovarian cancer; BRCA1- and BRCA2-Associated Hereditary Breast and Ovarian Cancer. Identifiers: Orphanet 145, MedGen C0677776, MeSH D061325, MONDO:0003582. Disease mechanism: loss of function.

Submission:

Labcorp Genetics (formerly Invitae), Labcorp
Classification: Pathogenic for Hereditary breast ovarian cancer syndrome. Last evaluated: 2025-08-13. Review status: criteria provided, single submitter. Criteria: Invitae Variant Classification Sherloc (09022015). Collection method: clinical testing. Allele origin: germline.
Comment: This sequence change creates a premature translational stop signal (p.Lys1264Asnfs*12) in the BRCA2 gene. It is expected to result in an absent or disrupted protein product. Loss-of-function variants in BRCA2 are known to be pathogenic (PMID: 20104584). This variant is not present in population databases (gnomAD no frequency). This variant has not been reported in the literature in individuals affected with BRCA2-related conditions. ClinVar contains an entry for this variant (Variation ID: 3725480). For these reasons, this variant has been classified as Pathogenic.

Literature cited by the submitters: PubMed 20104584.